The following is an entry in ClinVar:

ClinVar aggregate classification (germline): Uncertain significance. Review status: criteria provided, multiple submitters, no conflicts (2 of 4 stars). 2 submissions from 2 submitters: Uncertain significance (2). Last evaluated 2025-09-28.

Conditions:
Inborn genetic diseases. Identifiers: MedGen C0950123, MeSH D030342.

gnomAD v4.1: 4 of 1,609,280 alleles (0.00025%); highest among the groups gnomAD compares: Non-Finnish European, 0.00025%; no homozygotes.

Submissions (2):

Ambry Genetics
Classification: Uncertain significance for Inborn genetic diseases. Last evaluated: 2025-09-28. Review status: criteria provided, single submitter. Criteria: Ambry Variant Classification Scheme 2023. Collection method: clinical testing. Allele origin: germline.

GeneDx
Classification: Uncertain significance. Last evaluated: 2024-08-08. Review status: criteria provided, single submitter. Criteria: GeneDx Variant Classification Process June 2021. Collection method: clinical testing. Allele origin: germline. Affected: yes.
Comment: Not observed at significant frequency in large population cohorts (gnomAD); In silico analysis indicates that this missense variant does not alter protein structure/function; Has not been previously published as pathogenic or benign to our knowledge

NM_021956.5(GRIK2):c.2224A>G (p.Ile742Val)

Gene: GRIK2 (glutamate ionotropic receptor kainate type subunit 2; plus strand). Cytogenetic location: 6q16.3.
Variant type: single nucleotide variant.
Coding change: c.2224A>G on transcript NM_021956.5 (MANE Select); coding-DNA position 2224, A replaced by G.
Protein change: p.Ile742Val; replaces isoleucine 742 with valine.
Molecular consequence: missense variant.
Genome position (GRCh38, 1-based): chr6:102,035,479, A>G. VCF-style: chr6-102035479-A-G. GRCh37 (hg19) VCF-style: chr6-102483354-A-G.
Other names: c.2224A>G (NM_021956.4); c.2224A>G, p.Ile742Val (NM_001166247.1, NM_175768.3); short protein forms I742V.
Identifiers: ClinVar variation 3602878 (VCV003602878.2).